The following is an entry in ClinVar:

NM_004370.6(COL12A1):c.8650G>T (p.Gly2884Cys)

Gene: COL12A1 (collagen type XII alpha 1 chain; minus strand). Cytogenetic location: 6q13.
Variant type: single nucleotide variant.
Coding change: c.8650G>T on transcript NM_004370.6 (MANE Select); coding-DNA position 8650, G replaced by T.
Protein change: p.Gly2884Cys; replaces glycine 2884 with cysteine.
Molecular consequence: missense variant.
Genome position (GRCh38, 1-based): chr6:75,091,525, C>A on the plus strand (G>T on the coding strand, the complement: COL12A1 is on the minus strand). VCF-style: chr6-75091525-C-A. GRCh37 (hg19) VCF-style: chr6-75801241-C-A.
Other names: c.8650G>T (NM_004370.5); c.8650G>T, p.Gly2884Cys (NM_001424113.1); c.8629G>T, p.Gly2877Cys (NM_001424114.1); c.8377G>T, p.Gly2793Cys (NM_001424115.1); c.5158G>T, p.Gly1720Cys (NM_001424116.1, NM_080645.3); short protein forms G2793C, G2877C, G1720C, G2884C.
Identifiers: ClinVar variation 2931418 (VCV002931418.4), dbSNP rs968935466, ClinGen allele CA141001051.

ClinVar aggregate classification (germline): Uncertain significance. Review status: criteria provided, multiple submitters, no conflicts (2 of 4 stars). 2 submissions from 2 submitters: Uncertain significance (2). Last evaluated 2024-07-09.

Conditions:
Ullrich congenital muscular dystrophy 2 (UCMD2). Identifiers: Orphanet 75840, MedGen C4225314, MONDO:0014654, OMIM 616470.
Bethlem myopathy 2 (BTHLM2). Identifiers: Orphanet 536516, Orphanet 610, MedGen C4225313, MONDO:0034022, OMIM 616471.

Allele frequency attached by ClinVar (database versions not stated): gnomAD exomes below 0.00001.

Submissions (2):

GeneDx
Classification: Uncertain significance. Last evaluated: 2024-07-09. Review status: criteria provided, single submitter. Criteria: GeneDx Variant Classification Process June 2021. Collection method: clinical testing. Allele origin: germline. Affected: yes.
Comment: Not observed at significant frequency in large population cohorts (gnomAD); In silico analysis supports that this missense variant has a deleterious effect on protein structure/function; Has not been previously published as pathogenic or benign to our knowledge

Labcorp Genetics (formerly Invitae), Labcorp
Classification: Uncertain significance for Bethlem myopathy 2; Ullrich congenital muscular dystrophy 2. Last evaluated: 2024-01-04. Review status: criteria provided, single submitter. Criteria: Invitae Variant Classification Sherloc (09022015). Collection method: clinical testing. Allele origin: germline.
Comment: This sequence change replaces glycine, which is neutral and non-polar, with cysteine, which is neutral and slightly polar, at codon 2884 of the COL12A1 protein (p.Gly2884Cys). This variant is not present in population databases (gnomAD no frequency). This variant has not been reported in the literature in individuals affected with COL12A1-related conditions. An algorithm developed to predict the effect of missense changes on protein structure and function (PolyPhen-2) suggests that this variant is likely to be disruptive. In summary, the available evidence is currently insufficient to determine the role of this variant in disease. Therefore, it has been classified as a Variant of Uncertain Significance.